The following is an entry in ClinVar:

ClinVar aggregate classification (germline): Uncertain significance (1 of 4 stars; one submission).

Conditions:
Early-infantile DEE. Also called: Ohtahara syndrome; Early infantile epileptic encephalopathy with suppression bursts; Early infantile epileptic encephalopathy. Identifiers: Orphanet 1934, MedGen C0393706, MONDO:0800491.

Allele frequency attached by ClinVar (database versions not stated): gnomAD exomes below 0.00001; gnomAD 0.00001; TOPMed 0.00001.
gnomAD v4.1: 7 of 1,608,182 alleles (0.00044%); highest among the groups gnomAD compares: African/African-American, 0.0013%; no homozygotes.

Submission:

Labcorp Genetics (formerly Invitae), Labcorp
Classification: Uncertain significance for Early-infantile DEE. Last evaluated: 2020-09-17. Review status: criteria provided, single submitter. Criteria: Invitae Variant Classification Sherloc (09022015). Collection method: clinical testing. Allele origin: germline.
Comment: In summary, the available evidence is currently insufficient to determine the role of this variant in disease. Therefore, it has been classified as a Variant of Uncertain Significance. Algorithms developed to predict the effect of missense changes on protein structure and function are either unavailable or do not agree on the potential impact of this missense change (SIFT: "Deleterious"; PolyPhen-2: "Benign"; Align-GVGD: "Class C0"). This variant has not been reported in the literature in individuals with ARHGEF15-related conditions. This variant is not present in population databases (ExAC no frequency). This sequence change replaces alanine with valine at codon 170 of the ARHGEF15 protein (p.Ala170Val). The alanine residue is weakly conserved and there is a small physicochemical difference between alanine and valine.

NM_173728.4(ARHGEF15):c.509C>T (p.Ala170Val)

Gene: ARHGEF15 (Rho guanine nucleotide exchange factor 15; plus strand). Cytogenetic location: 17p13.1.
Variant type: single nucleotide variant.
Coding change: c.509C>T on transcript NM_173728.4 (MANE Select); coding-DNA position 509, C replaced by T.
Protein change: p.Ala170Val; replaces alanine 170 with valine.
Molecular consequence: missense variant.
Genome position (GRCh38, 1-based): chr17:8,312,548, C>T. VCF-style: chr17-8312548-C-T. GRCh37 (hg19) VCF-style: chr17-8215866-C-T.
Other names: c.509C>T, p.Ala170Val (NM_025014.2); short protein forms A170V.
Identifiers: ClinVar variation 1051958 (VCV001051958.10), dbSNP rs1440687858, ClinGen allele CA398014830.
Genomic context (GRCh38, chr17:8,312,548, plus strand): 5'-TGCGGAGGCTGGCTGGCAGGTTTGAAGGGGGTGCTGAAGGCCGGGCTCAGGATGCAGATG[C>T]CCCGGAGCCAGGTCTCCAAGCGAGAGCAGATGTGAATGGGGAGAGAGAAGCTCCCCTCAC-3'
Protein context (NP_776089.2, residues 160-180): GAEGRAQDAD[Ala170Val]PEPGLQARAD